The following is an entry in ClinVar:

ClinVar aggregate classification (germline): Pathogenic (0 of 4 stars; one submission).
ClinVar aggregate classification (somatic clinical impact): Tier I - Strong (1 of 4 stars; one submission).

Conditions:
Neuroblastoma, susceptibility to, 3. Also called: ALK-Related Neuroblastic Tumor Susceptibility. Identifiers: Orphanet 635, MedGen C2751681, MONDO:0013083, OMIM 613014.
Neuroblastoma (NB). Identifiers: Orphanet 635, MedGen C0027819, MeSH D009447, MONDO:0005072, HP:0003006.

Submissions (2):

Institute for Genomic Medicine (IGM) Clinical Laboratory, Nationwide Children's Hospital
Classification: Tier I - Strong for Neuroblastoma. Assertion type: diagnostic. Clinical significance: supports diagnosis. Last evaluated: 2025-05-05. Review status: criteria provided, single submitter. Criteria: AMP/ASCO/CAP Guidelines, 2017. Collection method: clinical testing. Allele origin: somatic. Affected: yes.
Comment: Variant has Tier I (strong) clinical significance as a diagnostic inclusion criterion in neuroblastoma, based on the following evidence: 1) Documented in one or more cancer databases (e.g., St. Jude Pecan, COSMIC, CIViC, OncoKB). 2) Appears in one or more well-established professional guidelines (e.g., World Health Organization [WHO]; National Comprehensive Cancer Network [NCCN]) as providing diagnostic, prognostic, or therapeutic information. 3) Diagnostic for a specific tumor type/classification based on well-powered studies with expert-level consensus (Evidence Level B; PMIDs: 21632861, 23334666, 18923523, 18923524, 25517749, 34250410, 33056981).

Genomic Diagnostic Laboratory, Division of Genomic Diagnostics, Children's Hospital of Philadelphia
Classification: Pathogenic for Neuroblastoma, susceptibility to, 3. Last evaluated: 2015-10-07. Review status: no assertion criteria provided. Collection method: clinical testing. Allele origin: somatic. Affected: yes. Observed: 3 variant alleles.
Comment: Clinical Testing

Literature cited by the submitters: PubMed 21632861 (cited by Institute for Genomic Medicine (IGM) Clinical Laboratory, Nationwide Children's Hospital); PubMed 23334666 (cited by Institute for Genomic Medicine (IGM) Clinical Laboratory, Nationwide Children's Hospital); PubMed 18923523 (cited by Institute for Genomic Medicine (IGM) Clinical Laboratory, Nationwide Children's Hospital); PubMed 18923524 (cited by Institute for Genomic Medicine (IGM) Clinical Laboratory, Nationwide Children's Hospital); PubMed 25517749 (cited by Institute for Genomic Medicine (IGM) Clinical Laboratory, Nationwide Children's Hospital); PubMed 34250410 (cited by Institute for Genomic Medicine (IGM) Clinical Laboratory, Nationwide Children's Hospital); PubMed 33056981 (cited by Institute for Genomic Medicine (IGM) Clinical Laboratory, Nationwide Children's Hospital).

NM_004304.5(ALK):c.3734T>G (p.Phe1245Cys)

Gene: ALK (ALK receptor tyrosine kinase; minus strand). Cytogenetic location: 2p23.2.
Variant type: single nucleotide variant.
Coding change: c.3734T>G on transcript NM_004304.5 (MANE Select); coding-DNA position 3734, T replaced by G.
Protein change: p.Phe1245Cys; replaces phenylalanine 1245 with cysteine.
Molecular consequence: missense variant.
Genome position (GRCh38, 1-based): chr2:29,213,993, A>C on the plus strand (T>G on the coding strand, the complement: ALK is on the minus strand). VCF-style: chr2-29213993-A-C. GRCh37 (hg19) VCF-style: chr2-29436859-A-C.
Other names: c.530T>G, p.Phe177Cys (NM_001353765.2); short protein forms F1245C, F177C.
Identifiers: ClinVar variation 217856 (VCV000217856.2), dbSNP rs863225283, ClinGen allele CA279597.
Genomic context (GRCh38, chr2:29,213,993, plus strand): 5'-CACACAGATCAGCGACAGGATGACAGGAAGAGCACAGTCACTTTGACTCACCGGTGGATG[A>C]AGTGGTTTTCCTCCAAATACTGACAGCCACAGGCAATGTCCCGAGCCACGTGCAGAAGGT-3'
Protein context (NP_004295.2, residues 1235-1255): CGCQYLEENH[Phe1245Cys]IHRDIAARNC